The following is an entry in ClinVar:

NM_001267550.2(TTN):c.61962C>T (p.Ile20654=)

Genes: TTN (titin; minus strand), TTN-AS1 (TTN antisense RNA 1; plus strand). Cytogenetic location: 2q31.2.
Variant type: single nucleotide variant.
Coding change: c.61962C>T on transcript NM_001267550.2 (MANE Select); coding-DNA position 61962, C replaced by T.
Protein change: p.Ile20654=; no amino-acid change (isoleucine 20654 retained).
Molecular consequence: synonymous variant.
Genome position (GRCh38, 1-based): chr2:178,589,763, G>A on the plus strand (C>T on the coding strand, the complement: TTN is on the minus strand). VCF-style: chr2-178589763-G-A. GRCh37 (hg19) VCF-style: chr2-179454490-G-A.
Other names: c.57039C>T, p.Ile19013= (NM_001256850.1); c.34767C>T, p.Ile11589= (NM_003319.4); c.54258C>T, p.Ile18086= (NM_133378.4); c.35142C>T, p.Ile11714= (NM_133432.3); c.35343C>T, p.Ile11781= (NM_133437.4).
Identifiers: ClinVar variation 284991 (VCV000284991.17), dbSNP rs369710636, ClinGen allele CA1992289.
Genomic context (GRCh38, chr2:178,589,763, plus strand): 5'-GTTTTCAGGCTCACCTGGTCTGTCAATAGGGTTAATAGCCAGAATGGGAGTTTTTGTTTC[G>A]ATGGTTGGCCCAACACCTACTTTATTCTCTGCACAAACTCGGAAATAGTATTCATTGTTG-3'
Protein context (NP_001254479.2, residues 20644-20664): AENKVGVGPT[Ile20654=]ETKTPILAIN

ClinVar aggregate classification (germline): Conflicting classifications of pathogenicity. Review status: criteria provided, conflicting classifications (1 of 4 stars). 4 submissions from 4 submitters: Uncertain significance (1); Likely benign (3). Last evaluated 2026-01-22.

Conditions:
TTN-related disorder. Also called: TTN-related condition; TTN-related disease; TTN-related disorders.
Dilated cardiomyopathy 1G (CMD1G). Identifiers: Orphanet 154, MedGen C1858763, MONDO:0011400, OMIM 604145.
Autosomal recessive limb-girdle muscular dystrophy type 2J (LGMDR10). Also called: Limb-girdle muscular dystrophy, type 2J; MUSCULAR DYSTROPHY, LIMB-GIRDLE, AUTOSOMAL RECESSIVE 10. Identifiers: Orphanet 140922, MedGen C1837342, MONDO:0012127, OMIM 608807.
Cardiovascular phenotype. Identifiers: MedGen CN230736.

Allele frequency attached by ClinVar (database versions not stated): gnomAD 0.00001; ExAC 0.00002; gnomAD exomes 0.00002; ESP Exome Variant Server 0.00008.
gnomAD v4.1: 7 of 1,613,354 alleles (0.00043%); highest among the groups gnomAD compares: East Asian, 0.0022%; 1 homozygote.

Submissions (4):

PreventionGenetics, part of Exact Sciences
Classification: Likely benign for TTN-related condition. Last evaluated: 2026-01-22. Review status: criteria provided, single submitter. Criteria: ACMG Guidelines, 2015. Collection method: clinical testing. Allele origin: germline.
Comment: This variant is classified as likely benign based on ACMG/AMP sequence variant interpretation guidelines (Richards et al. 2015 PMID: 25741868, with internal and published modifications).

Ambry Genetics
Classification: Likely benign for Cardiovascular phenotype. Last evaluated: 2024-10-28. Review status: criteria provided, single submitter. Criteria: Ambry Variant Classification Scheme 2023. Collection method: clinical testing. Allele origin: germline.

Labcorp Genetics (formerly Invitae), Labcorp
Classification: Likely benign for Dilated cardiomyopathy 1G; Autosomal recessive limb-girdle muscular dystrophy type 2J. Last evaluated: 2024-09-06. Review status: criteria provided, single submitter. Criteria: Invitae Variant Classification Sherloc (09022015). Collection method: clinical testing. Allele origin: germline.

Eurofins Ntd Llc (ga)
Classification: Uncertain significance. Last evaluated: 2015-12-11. Review status: criteria provided, single submitter. Criteria: EGL Classification Definitions 2015. Collection method: clinical testing. Allele origin: germline. Observed: 1 variant allele, 1 heterozygote.